The following is an entry in ClinVar:

NM_001605.3(AARS1):c.2069A>G (p.Tyr690Cys)

Gene: AARS1 (alanyl-tRNA synthetase 1; minus strand). Cytogenetic location: 16q22.1.
Variant type: single nucleotide variant.
Coding change: c.2069A>G on transcript NM_001605.3 (MANE Select); coding-DNA position 2069, A replaced by G.
Protein change: p.Tyr690Cys; replaces tyrosine 690 with cysteine.
Molecular consequence: missense variant.
Genome position (GRCh38, 1-based): chr16:70,258,141, T>C on the plus strand (A>G on the coding strand, the complement: AARS1 is on the minus strand). VCF-style: chr16-70258141-T-C. GRCh37 (hg19) VCF-style: chr16-70292044-T-C.
Other names: short protein forms Y690C.
Identifiers: ClinVar variation 2181461 (VCV002181461.5), dbSNP rs563959372, ClinGen allele CA8140574.

ClinVar aggregate classification (germline): Uncertain significance. Review status: criteria provided, multiple submitters, no conflicts (2 of 4 stars). 2 submissions from 2 submitters: Uncertain significance (2). Last evaluated 2024-03-20.

Conditions:
Charcot-Marie-Tooth disease type 2. Also called: Charcot-Marie-Tooth type 2. Identifiers: Orphanet 64746, MedGen C0270914, MONDO:0018993.

Allele frequency attached by ClinVar (database versions not stated): ExAC 0.00001; gnomAD 0.00001; gnomAD exomes 0.00001; 1000 Genomes Project 30x 0.00016; 1000 Genomes Project 0.00020.
gnomAD v4.1: 8 of 1,612,664 alleles (0.0005%); highest among the groups gnomAD compares: South Asian, 0.0033%; no homozygotes.

Submissions (2):

Labcorp Genetics (formerly Invitae), Labcorp
Classification: Uncertain significance for Charcot-Marie-Tooth disease type 2. Last evaluated: 2024-03-20. Review status: criteria provided, single submitter. Criteria: Invitae Variant Classification Sherloc (09022015). Collection method: clinical testing. Allele origin: germline.
Comment: This sequence change replaces tyrosine, which is neutral and polar, with cysteine, which is neutral and slightly polar, at codon 690 of the AARS protein (p.Tyr690Cys). The frequency data for this variant in the population databases is considered unreliable, as metrics indicate poor data quality at this position in the gnomAD database. This variant has not been reported in the literature in individuals affected with AARS-related conditions. ClinVar contains an entry for this variant (Variation ID: 2181461). Advanced modeling of protein sequence and biophysical properties (such as structural, functional, and spatial information, amino acid conservation, physicochemical variation, residue mobility, and thermodynamic stability) has been performed at Invitae for this missense variant, however the output from this modeling did not meet the statistical confidence thresholds required to predict the impact of this variant on AARS protein function. In summary, the available evidence is currently insufficient to determine the role of this variant in disease. Therefore, it has been classified as a Variant of Uncertain Significance.

Blueprint Genetics
Classification: Uncertain significance. Last evaluated: 2021-01-08. Review status: criteria provided, single submitter. Criteria: ACMG Guidelines, 2015. Collection method: clinical testing. Allele origin: germline.